The following is an entry in ClinVar:

ClinVar aggregate classification (germline): Likely benign. Review status: criteria provided, multiple submitters, no conflicts (2 of 4 stars). 4 submissions from 4 submitters: Likely benign (3). 1 of the submissions does not count toward it. Last evaluated 2026-01-20.

Conditions:
Leber congenital amaurosis (LCA). Also called: Leber's amaurosis. Identifiers: Orphanet 65, MedGen C0339527, MeSH D057130, MONDO:0018998.
Leber congenital amaurosis 13 (LCA13). Identifiers: MedGen C2675186, MONDO:0012990, OMIM 612712.

Allele frequency attached by ClinVar (database versions not stated): gnomAD exomes 0.00028; ExAC 0.00033; gnomAD 0.00033 and 0.00037; TOPMed 0.00036; ESP Exome Variant Server 0.00069.
gnomAD v4.1: 757 of 1,614,104 alleles (0.047%); highest among the groups gnomAD compares: Non-Finnish European, 0.059%; 1 homozygote.

Submissions (4):

Labcorp Genetics (formerly Invitae), Labcorp
Classification: Likely benign for Leber congenital amaurosis 13. Last evaluated: 2026-01-20. Review status: criteria provided, single submitter. Criteria: Invitae Variant Classification Sherloc (09022015). Collection method: clinical testing. Allele origin: germline.

CeGaT Center for Human Genetics Tuebingen
Classification: Likely benign. Last evaluated: 2025-04-01. Review status: criteria provided, single submitter. Criteria: CeGaT Center For Human Genetics Tuebingen Variant Classification Criteria Version 2. Collection method: clinical testing. Allele origin: germline. Affected: yes. Observed: 3 variant alleles.
Comment: RDH12: BP4, BP7

Blueprint Genetics
Classification: Likely benign. Last evaluated: 2024-08-21. Review status: criteria provided, single submitter. Criteria: ACMG Guidelines, 2015. Collection method: clinical testing. Allele origin: germline.

Natera, Inc.
Classification: Likely benign for Leber congenital amaurosis. Last evaluated: 2020-01-13. Review status: no assertion criteria provided. Collection method: clinical testing. Allele origin: germline. Not counted in ClinVar's aggregate classification.

NM_152443.3(RDH12):c.579C>T (p.Arg193=)

Genes: GPHN (gephyrin; plus strand), RDH12 (retinol dehydrogenase 12; plus strand). Cytogenetic location: 14q24.1.
Variant type: single nucleotide variant.
Coding change: c.579C>T on transcript NM_152443.3 (MANE Select); coding-DNA position 579, C replaced by T.
Protein change: p.Arg193=; no amino-acid change (arginine 193 retained).
Molecular consequence: synonymous variant.
Genome position (GRCh38, 1-based): chr14:67,727,111, C>T. VCF-style: chr14-67727111-C-T. GRCh37 (hg19) VCF-style: chr14-68193828-C-T.
Identifiers: ClinVar variation 707552 (VCV000707552.26), dbSNP rs142117351, ClinGen allele CA7238755.